The following is an entry in ClinVar:

ClinVar aggregate classification (germline): Likely benign. Review status: criteria provided, multiple submitters, no conflicts (2 of 4 stars). 2 submissions from 2 submitters: Likely benign (2). Last evaluated 2026-02-03.

Submissions (2):

Women's Health and Genetics/Laboratory Corporation of America, LabCorp
Classification: Likely benign. Last evaluated: 2026-02-03. Review status: criteria provided, single submitter. Criteria: LabCorp Variant Classification Summary - May 2015. Collection method: clinical testing. Allele origin: germline.
Comment: Variant summary: PHKA1 c.1794-13_1794-11delCTC alters a nucleotide located at a position not widely known to affect splicing. Consensus agreement among computation tools predict no significant impact on normal splicing. However, these predictions have yet to be confirmed by functional studies. The variant was absent in 177424 control chromosomes. The available data on variant occurrences in the general population are insufficient to allow any conclusion about variant significance. To our knowledge, no occurrence of c.1794-13_1794-11delCTC in individuals affected with PHKA1-related conditions and no experimental evidence demonstrating its impact on protein function have been reported. ClinVar contains an entry for this variant (Variation ID: 258783). Based on the evidence outlined above, the variant was classified as likely benign.

PreventionGenetics, part of Exact Sciences
Classification: Likely benign. Review status: criteria provided, single submitter. Criteria: ACMG Guidelines, 2015. Collection method: clinical testing. Allele origin: germline.

NM_002637.4(PHKA1):c.1794-13_1794-11del

Gene: PHKA1 (phosphorylase kinase regulatory subunit alpha 1; minus strand). Cytogenetic location: Xq13.1.
Variant type: Microsatellite.
Coding change: c.1794-13_1794-11del on transcript NM_002637.4 (MANE Select); 13 bases into the intron before coding-DNA position 1794 through 11 bases into the intron before coding-DNA position 1794, 3 bases deleted (CTC; older notation c.1794-13_1794-11delCTC).
Molecular consequence: intron variant.
Genome position (GRCh38, 1-based): chrX:72,623,286-72,623,288, GAG deleted on the plus strand (CTC on the coding strand, the reverse complement: PHKA1 is on the minus strand); deleting any 3 consecutive bases within chrX:72,623,286-72,623,293 gives the same sequence; the c. name uses the placement nearest the transcript's 3' end. VCF-style (leftmost placement, unchanged base first): chrX-72623285-AGAG-A. GRCh37 (hg19) VCF-style: chrX-71843135-AGAG-A.
Other names: c.1794-13_1794-11delCTC (NM_002637.3, NM_002637.4); c.1794-13_1794-11del (NM_001172436.2, NM_001122670.2).
Identifiers: ClinVar variation 258783 (VCV000258783.3), dbSNP rs886038517, ClinGen allele CA10587401.
Genomic context (GRCh38, chrX:72,623,285, plus strand): 5'-TGTGTGCAACAAGATGTTGTCAAAAACTCTGACAATTTACCTGTTTGAACCCTAAAAATT[AGAG>A]GAGGATAGAAAACAGAAAATCAGGGGTGATCCTTTTTAAACAACACAATCTTAGTGATAA-3'